The following is an entry in ClinVar:

NM_005732.4(RAD50):c.3277C>T (p.Arg1093Ter)

Gene: RAD50 (RAD50 double strand break repair protein; plus strand). Cytogenetic location: 5q31.1.
Variant type: single nucleotide variant.
Coding change: c.3277C>T on transcript NM_005732.4 (MANE Select); coding-DNA position 3277, C replaced by T.
Protein change: p.Arg1093Ter; replaces arginine 1093 with a stop codon.
Molecular consequence: nonsense.
Genome position (GRCh38, 1-based): chr5:132,618,182, C>T. VCF-style: chr5-132618182-C-T. GRCh37 (hg19) VCF-style: chr5-131953874-C-T.
Other names: short protein forms R1093*.
Identifiers: ClinVar variation 5872 (VCV000005872.22), dbSNP rs121912628, ClinGen allele CA117821.
Genomic context (GRCh38, chr5:132,618,182, plus strand): 5'-TTGGCATTAGGGCGACAGAAAGGTTATGAAGAAGAAATTATTCATTTTAAGAAAGAACTT[C>T]GAGAACCACAATTTCGGGATGCTGAGGAAAAGTATAGAGAAATGATGATTGTTATGAGGA-3'

ClinVar aggregate classification (germline): Pathogenic/Likely pathogenic. Review status: criteria provided, multiple submitters, no conflicts (2 of 4 stars). 8 submissions from 8 submitters: Pathogenic (5); Likely pathogenic (1). 2 of the submissions do not count toward it. Last evaluated 2025-03-17.

Conditions:
RAD50-related disorder. Also called: RAD50-related condition.
Hereditary cancer-predisposing syndrome. Also called: Tumor predisposition; Hereditary neoplastic syndrome; Hereditary Cancer Syndrome; Neoplastic Syndromes, Hereditary. Identifiers: Orphanet 140162, MedGen C0027672, MeSH D009386, MONDO:0015356.
Nijmegen breakage syndrome-like disorder (NBSLD). Also called: MICROCEPHALY AND SPONTANEOUS CHROMOSOME INSTABILITY WITHOUT IMMUNODEFICIENCY; NBS-LIKE DISORDER; RAD50 DEFICIENCY. Identifiers: Orphanet 240760, MedGen C2751318, MONDO:0013118, OMIM 613078.

Allele frequency attached by ClinVar (database versions not stated): ExAC 0.00001; gnomAD exomes 0.00002; TOPMed 0.00002; gnomAD 0.00003.
gnomAD v4.1: 24 of 1,613,686 alleles (0.0015%); highest among the groups gnomAD compares: African/African-American, 0.004%; no homozygotes.

Submissions (8):

Labcorp Genetics (formerly Invitae), Labcorp
Classification: Pathogenic for Hereditary cancer-predisposing syndrome. Last evaluated: 2025-03-17. Review status: criteria provided, single submitter. Criteria: Invitae Variant Classification Sherloc (09022015). Collection method: clinical testing. Allele origin: germline.
Comment: This sequence change creates a premature translational stop signal (p.Arg1093*) in the RAD50 gene. It is expected to result in an absent or disrupted protein product. Loss-of-function variants in RAD50 are known to be pathogenic (PMID: 19409520). This variant is present in population databases (rs121912628, gnomAD 0.008%). This premature translational stop signal has been observed in individual(s) with medulloblastoma, and Nijmegen breakage syndrome-like disorder (PMID: 19409520). ClinVar contains an entry for this variant (Variation ID: 5872). For these reasons, this variant has been classified as Pathogenic.

Blueprint Genetics
Classification: Likely pathogenic for RAD50-related disorders. Last evaluated: 2023-08-01. Review status: criteria provided, single submitter. Criteria: ACMG Guidelines, 2015. Collection method: clinical testing. Allele origin: germline. Affected: yes. Observed: 1 variant allele.

Ambry Genetics
Classification: Pathogenic for Hereditary cancer-predisposing syndrome. Last evaluated: 2022-08-11. Review status: criteria provided, single submitter. Criteria: Ambry Variant Classification Scheme 2023. Collection method: clinical testing. Allele origin: germline.
Comment: The p.R1093* pathogenic mutation (also known as c.3277C>T), located in coding exon 21 of the RAD50 gene, results from a C to T substitution at nucleotide position 3277. This changes the amino acid from an arginine to a stop codon within coding exon 21. This alteration was previously reported in the compound heterozygous state in a patient with a phenotype similar to Nijmegen breakage syndrome. Sequence analysis of cDNA revealed quasi-hemizygous expression of the other mutation, implying that the p.R1093* allele was subject to nonsense mediated decay (Waltes R et al. Am. J. Hum. Genet. 2009 May;84:605-16). This variant is considered to be rare based on population cohorts in the Genome Aggregation Database (gnomAD). In addition to the clinical data presented in the literature, this alteration is expected to result in loss of function by premature protein truncation or nonsense-mediated mRNA decay. As such, this alteration is interpreted as a disease-causing mutation.

Baylor Genetics
Classification: Pathogenic for Nijmegen breakage syndrome-like disorder. Last evaluated: 2022-05-29. Review status: criteria provided, single submitter. Criteria: ACMG Guidelines, 2015. Collection method: clinical testing. Allele origin: unknown.

Revvity Omics, Revvity
Classification: Pathogenic for Nijmegen breakage syndrome-like disorder. Last evaluated: 2019-09-17. Review status: criteria provided, single submitter. Criteria: ACMG Guidelines, 2015. Collection method: clinical testing. Allele origin: germline.

Genesis Genomics
Classification: Pathogenic for Nijmegen breakage syndrome-like disorder. Review status: criteria provided, single submitter. Criteria: ACMG Guidelines, 2015. Collection method: clinical testing. Allele origin: germline. Affected: yes. Observed: 1 variant allele.

Counsyl
Classification: Likely pathogenic for Nijmegen breakage syndrome-like disorder. Last evaluated: 2017-07-19. Review status: no assertion criteria provided. Collection method: clinical testing. Allele origin: unknown. Not counted in ClinVar's aggregate classification.

OMIM
Classification: Pathogenic for NIJMEGEN BREAKAGE SYNDROME-LIKE DISORDER. Last evaluated: 2009-05-01. Review status: no assertion criteria provided. Collection method: literature only. Allele origin: germline. Not counted in ClinVar's aggregate classification.

Literature cited by the submitters: PubMed 19409520 (cited by 4 submitters); PubMed 21778326 (cited by Counsyl); PubMed 26689913 (cited by Counsyl); PubMed 28376765 (cited by Counsyl); PubMed 1887849 (cited by OMIM).